The following is an entry in ClinVar:

NM_001122659.3(EDNRB):c.1153G>A (p.Ala385Thr)

Genes: EDNRB (endothelin receptor type B; minus strand), EDNRB-AS1 (EDNRB antisense RNA 1; plus strand). Cytogenetic location: 13q22.3.
Variant type: single nucleotide variant.
Coding change: c.1153G>A on transcript NM_001122659.3 (MANE Select); coding-DNA position 1153, G replaced by A.
Protein change: p.Ala385Thr; replaces alanine 385 with threonine.
Molecular consequence: missense variant.
Genome position (GRCh38, 1-based): chr13:77,899,900, C>T on the plus strand (G>A on the coding strand, the complement: EDNRB is on the minus strand). VCF-style: chr13-77899900-C-T. GRCh37 (hg19) VCF-style: chr13-78474035-C-T.
Other names: c.1153G>A, p.Ala385Thr (NM_000115.5, NM_003991.4); c.1423G>A, p.Ala475Thr (NM_001201397.2); short protein forms A475T, A385T.
Identifiers: ClinVar variation 3008874 (VCV003008874.3), dbSNP rs2501526214, ClinGen allele CA388451064.

ClinVar aggregate classification (germline): Uncertain significance (1 of 4 stars; one submission).

Allele frequency attached by ClinVar (database versions not stated): gnomAD exomes below 0.00001.
gnomAD v4.1: 1 of 1,611,978 alleles (0.000062%); highest among the groups gnomAD compares: Non-Finnish European, 0.000085%; no homozygotes.

Submission:

Labcorp Genetics (formerly Invitae), Labcorp
Classification: Uncertain significance. Last evaluated: 2023-07-31. Review status: criteria provided, single submitter. Criteria: Invitae Variant Classification Sherloc (09022015). Collection method: clinical testing. Allele origin: germline.
Comment: In summary, the available evidence is currently insufficient to determine the role of this variant in disease. Therefore, it has been classified as a Variant of Uncertain Significance. Advanced modeling of protein sequence and biophysical properties (such as structural, functional, and spatial information, amino acid conservation, physicochemical variation, residue mobility, and thermodynamic stability) performed at Invitae indicates that this missense variant is not expected to disrupt EDNRB protein function. This variant has not been reported in the literature in individuals affected with EDNRB-related conditions. This variant is not present in population databases (gnomAD no frequency). This sequence change replaces alanine, which is neutral and non-polar, with threonine, which is neutral and polar, at codon 385 of the EDNRB protein (p.Ala385Thr).